The following is an entry in ClinVar:

NM_014975.3(MAST1):c.1638+7G>A

Gene: MAST1 (microtubule associated serine/threonine kinase 1; plus strand). Cytogenetic location: 19p13.13.
Variant type: single nucleotide variant.
Coding change: c.1638+7G>A on transcript NM_014975.3 (MANE Select); 7 bases into the intron after coding-DNA position 1638, G replaced by A.
Molecular consequence: intron variant.
Genome position (GRCh38, 1-based): chr19:12,865,185, G>A. VCF-style: chr19-12865185-G-A. GRCh37 (hg19) VCF-style: chr19-12975999-G-A.
Identifiers: ClinVar variation 975281 (VCV000975281.28), dbSNP rs200207566, ClinGen allele CA9232938.

ClinVar aggregate classification (germline): Benign. Review status: criteria provided, multiple submitters, no conflicts (2 of 4 stars). 3 submissions from 3 submitters: Benign (2). 1 of the submissions does not count toward it. Last evaluated 2025-10-13.

Conditions:
Intellectual disability. Also called: Intellectual developmental disorder; intellectual disabilities; Intellectual functioning disability. Identifiers: MedGen C3714756, MeSH D008607, MONDO:0001071, HP:0001249.

Allele frequency attached by ClinVar (database versions not stated): gnomAD 0.00024 and 0.00025; TOPMed 0.00029; ExAC 0.00032; gnomAD exomes 0.00042; ESP Exome Variant Server 0.00046.
gnomAD v4.1: 656 of 1,613,328 alleles (0.041%); highest among the groups gnomAD compares: Non-Finnish European, 0.04%; no homozygotes.

Submissions (3):

Labcorp Genetics (formerly Invitae), Labcorp
Classification: Benign. Last evaluated: 2025-10-13. Review status: criteria provided, single submitter. Criteria: Invitae Variant Classification Sherloc (09022015). Collection method: clinical testing. Allele origin: germline.

CeGaT Center for Human Genetics Tuebingen
Classification: Benign. Last evaluated: 2024-03-01. Review status: criteria provided, single submitter. Criteria: CeGaT Center For Human Genetics Tuebingen Variant Classification Criteria Version 2. Collection method: clinical testing. Allele origin: germline. Affected: yes. Observed: 1 variant allele.
Comment: MAST1: BP4, BS1, BS2

Centre de Biologie Pathologie Génétique, Centre Hospitalier Universitaire de Lille
Classification: Likely benign for Intellectual disability. Last evaluated: 2019-01-01. Review status: no assertion criteria provided. Collection method: clinical testing. Allele origin: inherited. Affected: yes. Not counted in ClinVar's aggregate classification.